The following is an entry in ClinVar:

ClinVar aggregate classification (germline): Pathogenic/Likely pathogenic. Review status: criteria provided, multiple submitters, no conflicts (2 of 4 stars). 3 submissions from 3 submitters: Pathogenic (2); Likely pathogenic (1). Last evaluated 2025-07-20.

Conditions:
GM1 gangliosidosis. Identifiers: Orphanet 354, MedGen C0085131, MONDO:0018149.
GM1 gangliosidosis type 3. Also called: Gangliosidosis, Generalized GM1, Type 3; Beta-galactosidase deficiency; Adult GM1 gangliosidosis; Type 3 (adult) GM1 gangliosidosis; GM1-GANGLIOSIDOSIS, TYPE III; GANGLIOSIDOSIS, GENERALIZED GM1, ADULT TYPE. Identifiers: Orphanet 79257, MedGen C0268273, MONDO:0009262, OMIM 230650.
Mucopolysaccharidosis, MPS-IV-B (MPS4B). Also called: MORQUIO SYNDROME B; Mucopolysaccharidosis type IVB (Morquio); MPS IVB; Mucopolysaccharidosis Type IVB (Morquio B Disease); Mucopolysaccharidosis type IV B; Mucopolysaccharidosis Type IVB. Identifiers: Orphanet 309310, Orphanet 582, MedGen C0086652, MONDO:0009660, OMIM 253010.
Infantile GM1 gangliosidosis. Also called: GM1-gangliosidosis, type I; Gangliosidosis, generalized GM1, infantile form; GLB1 deficiency; Gangliosidosis, Generalized GM1, Type 1; GM1 gangliosidosis type 1. Identifiers: Orphanet 354, Orphanet 79255, MedGen C0268271, MONDO:0009260, OMIM 230500.
GM1 gangliosidosis type 2. Also called: Gangliosidosis, Generalized GM1, Type 2; Juvenile GM>1< gangliosidosis; GM1-GANGLIOSIDOSIS, TYPE II; GANGLIOSIDOSIS, GENERALIZED GM1, JUVENILE TYPE; GANGLIOSIDOSIS, GENERALIZED GM1, TYPE II. Identifiers: Orphanet 354, Orphanet 79256, MedGen C0268272, MONDO:0009261, OMIM 230600.

Submissions (3):

Labcorp Genetics (formerly Invitae), Labcorp
Classification: Pathogenic for Mucopolysaccharidosis, MPS-IV-B; GM1 gangliosidosis. Last evaluated: 2025-07-20. Review status: criteria provided, single submitter. Criteria: Invitae Variant Classification Sherloc (09022015). Collection method: clinical testing. Allele origin: germline.
Comment: This sequence change creates a premature translational stop signal (p.Trp130*) in the GLB1 gene. It is expected to result in an absent or disrupted protein product. Loss-of-function variants in GLB1 are known to be pathogenic (PMID: 18524657). This variant is not present in population databases (gnomAD no frequency). This variant has not been reported in the literature in individuals affected with GLB1-related conditions. ClinVar contains an entry for this variant (Variation ID: 1699092). For these reasons, this variant has been classified as Pathogenic.

Victorian Clinical Genetics Services, Murdoch Childrens Research Institute
Classification: Pathogenic for GM1 gangliosidosis. Last evaluated: 2021-05-06. Review status: criteria provided, single submitter. Criteria: ACMG Guidelines, 2015. Collection method: clinical testing. Allele origin: germline. Inheritance: Autosomal recessive inheritance. Affected: yes.
Comment: Based on the classification scheme VCGS_Germline_v1.3.4, this variant is classified as Pathogenic. Following criteria are met: 0102 - Loss of function is a known mechanism of disease in this gene and is associated with GM1-gangliosidosis, type I, II, and III (MIM#230500, 230600, and 230650 respectively). (I) 0106 - This gene is associated with autosomal recessive disease. (I) 0201 - Variant is predicted to cause nonsense-mediated decay (NMD) and loss of protein (premature termination codon is located at least 54 nucleotides upstream of the final exon-exon junction). (SP) 0251 - This variant is heterozygous. (I) 0301 - Variant is absent from gnomAD (both v2 and v3). (SP) 0701 - Other NMD-predicted variants comparable to the one identified in this case have very strong previous evidence for pathogenicity. NMD-predicted variants are well-reported as pathogenic in unrelated individuals in ClinVar and the literature (PMID: 31761138). (SP) 0807 - This variant has no previous evidence of pathogenicity. (I) 0905 - No published segregation evidence has been identified for this variant. (I) 1007 - No published functional evidence has been identified for this variant. (I) 1208 - Inheritance information for this variant is not currently available in this individual. (I) Legend: (SP) - Supporting pathogenic, (I) - Information, (SB) - Supporting benign

Juno Genomics, Hangzhou Juno Genomics, Inc
Classification: Likely pathogenic for Infantile GM1 gangliosidosis; GM1 gangliosidosis type 2; GM1 gangliosidosis type 3; Mucopolysaccharidosis, MPS-IV-B. Review status: criteria provided, single submitter. Criteria: ACMG Guidelines, 2015. Collection method: clinical testing. Allele origin: germline.
Comment: Null variant in a gene where loss of function (LOF) is a known mechanism of disease.;Absent from controls (or at extremely low frequency if recessive) in Genome Aggregation Database.

Literature cited by the submitters: PubMed 18524657 (cited by Labcorp Genetics (formerly Invitae), Labcorp); PubMed 31761138 (cited by Victorian Clinical Genetics Services, Murdoch Childrens Research Institute).

NM_000404.4(GLB1):c.390G>A (p.Trp130Ter)

Gene: GLB1 (galactosidase beta 1; minus strand). Cytogenetic location: 3p22.3.
Variant type: single nucleotide variant.
Coding change: c.390G>A on transcript NM_000404.4 (MANE Select); coding-DNA position 390, G replaced by A.
Protein change: p.Trp130Ter; replaces tryptophan 130 with a stop codon.
Molecular consequence: nonsense. On other transcripts: intron variant (1).
Genome position (GRCh38, 1-based): chr3:33,068,826, C>T on the plus strand (G>A on the coding strand, the complement: GLB1 is on the minus strand). VCF-style: chr3-33068826-C-T. GRCh37 (hg19) VCF-style: chr3-33110318-C-T.
Other names: c.300G>A, p.Trp100Ter (NM_001079811.3); c.534G>A, p.Trp178Ter (NM_001317040.2); c.390G>A, p.Trp130Ter (NM_001393580.1); c.246-3269G>A (NM_001135602.3); short protein forms W100*, W130*, W178*.
Identifiers: ClinVar variation 1699092 (VCV001699092.6), dbSNP rs2125548643, ClinGen allele CA351994488.
Genomic context (GRCh38, chr3:33,068,826, plus strand): 5'-CTGCTGCCTGCCAGCTCACACACACCAGGTAGAGCCCAGTCTAGCCACACTCACCATTTC[C>T]CACTCTGCACAGATGTAGGGCCCGGGCCTCAGGATAACCAGCAGTCCCAGCTCATGAGCC-3'